The following is an entry in ClinVar:

NM_004813.4(PEX16):c.359+1G>A

Gene: PEX16 (peroxisomal biogenesis factor 16; minus strand). Cytogenetic location: 11p11.2.
Variant type: single nucleotide variant.
Coding change: c.359+1G>A on transcript NM_004813.4 (MANE Select); the canonical splice donor site of the intron after coding-DNA position 359, G replaced by A.
Molecular consequence: splice donor variant.
Genome position (GRCh38, 1-based): chr11:45,915,702, C>T on the plus strand (G>A on the coding strand, the complement: PEX16 is on the minus strand). VCF-style: chr11-45915702-C-T. GRCh37 (hg19) VCF-style: chr11-45937253-C-T.
Other names: c.359+1G>A (NM_057174.3).
Identifiers: ClinVar variation 3015809 (VCV003015809.3), dbSNP rs530880623, ClinGen allele CA5960013.
Genomic context (GRCh38, chr11:45,915,702, plus strand): 5'-CCATCTGTGTAGCTAGCCTGCGTCACCCCCACCCAGGACCCTCTCCACAATCCCAACCTA[C>T]TTGGCCAGCTGGACGAGGGCGATGACAAGCCAGCGGCCCACTTCACCCCACACCTTGGCA-3'

ClinVar aggregate classification (germline): Likely pathogenic (1 of 4 stars; one submission).

Conditions:
Peroxisome biogenesis disorder. Identifiers: Orphanet 79189, MedGen C1832200, MONDO:0019234. Disease mechanism: loss of function.

Allele frequency attached by ClinVar (database versions not stated): ExAC 0.00001; gnomAD 0.00001; 1000 Genomes Project 30x 0.00016; 1000 Genomes Project 0.00020.
gnomAD v4.1: 1 of 1,614,132 alleles (0.000062%); highest among the groups gnomAD compares: South Asian, 0.0011%; no homozygotes.

Submission:

Labcorp Genetics (formerly Invitae), Labcorp
Classification: Likely pathogenic for Peroxisome biogenesis disorder. Last evaluated: 2023-11-17. Review status: criteria provided, single submitter. Criteria: Invitae Variant Classification Sherloc (09022015). Collection method: clinical testing. Allele origin: germline.
Comment: This sequence change affects a donor splice site in intron 4 of the PEX16 gene. It is expected to disrupt RNA splicing. Variants that disrupt the donor or acceptor splice site typically lead to a loss of protein function (PMID: 16199547), and loss-of-function variants in PEX16 are known to be pathogenic (PMID: 9837814, 11890679, 20647552, 20681997). This variant is present in population databases (rs530880623, gnomAD 0.003%). This variant has not been reported in the literature in individuals affected with PEX16-related conditions. Algorithms developed to predict the effect of sequence changes on RNA splicing suggest that this variant may disrupt the consensus splice site. In summary, the currently available evidence indicates that the variant is pathogenic, but additional data are needed to prove that conclusively. Therefore, this variant has been classified as Likely Pathogenic.

Literature cited by the submitters: PubMed 16199547; PubMed 9837814; PubMed 11890679; PubMed 20647552; PubMed 20681997.